The following is an entry in ClinVar:

NM_032409.3(PINK1):c.1121C>G (p.Pro374Arg)

Genes: PINK1 (PTEN induced kinase 1; plus strand), PINK1-AS (PINK1 antisense RNA; minus strand). Cytogenetic location: 1p36.12.
Variant type: single nucleotide variant.
Coding change: c.1121C>G on transcript NM_032409.3 (MANE Select); coding-DNA position 1121, C replaced by G.
Protein change: p.Pro374Arg; replaces proline 374 with arginine.
Molecular consequence: missense variant.
Genome position (GRCh38, 1-based): chr1:20,645,721, C>G. VCF-style: chr1-20645721-C-G. GRCh37 (hg19) VCF-style: chr1-20972214-C-G.
Other names: c.1121C>G (NM_032409.2); short protein forms P374R.
Identifiers: ClinVar variation 1395782 (VCV001395782.7), dbSNP rs1200609271, ClinGen allele CA338834401.
Genomic context (GRCh38, chr1:20,645,721, plus strand): 5'-TTCAACAGGGCATCGCGCACAGAGACCTGAAATCCGACAACATCCTTGTGGAGCTGGACC[C>G]AGGTAGGAACCTGCTGCACCATCAGAGCTCTCCAGGGGCACTAGAGGGTGGGTCAGGAGC-3'
Protein context (NP_115785.1, residues 364-384): KSDNILVELD[Pro374Arg]DGCPWLVIAD

ClinVar aggregate classification (germline): Uncertain significance. Review status: criteria provided, multiple submitters, no conflicts (2 of 4 stars). 2 submissions from 2 submitters: Uncertain significance (2). Last evaluated 2025-03-01.

Conditions:
Autosomal recessive early-onset Parkinson disease 6 (PARK6). Also called: PARKINSON DISEASE 6, EARLY-ONSET; PINK1-Related Parkinson Disease; PARKINSON DISEASE 6, MODIFIER OF; PINK1 Type of Young-Onset Parkinson Disease. Identifiers: Orphanet 2828, MedGen C1853833, MONDO:0011613, OMIM 605909.
Inborn genetic diseases. Identifiers: MedGen C0950123, MeSH D030342.

Allele frequency attached by ClinVar (database versions not stated): gnomAD exomes 0.00001; TOPMed 0.00003; gnomAD 0.00004.

Submissions (2):

Ambry Genetics
Classification: Uncertain significance for Inborn genetic diseases. Last evaluated: 2025-03-01. Review status: criteria provided, single submitter. Criteria: Ambry Variant Classification Scheme 2023. Collection method: clinical testing. Allele origin: germline.

Labcorp Genetics (formerly Invitae), Labcorp
Classification: Uncertain significance for Autosomal recessive early-onset Parkinson disease 6. Last evaluated: 2023-10-03. Review status: criteria provided, single submitter. Criteria: Invitae Variant Classification Sherloc (09022015). Collection method: clinical testing. Allele origin: germline.
Comment: This sequence change replaces proline, which is neutral and non-polar, with arginine, which is basic and polar, at codon 374 of the PINK1 protein (p.Pro374Arg). The frequency data for this variant in the population databases is considered unreliable, as metrics indicate poor data quality at this position in the gnomAD database. This variant has not been reported in the literature in individuals affected with PINK1-related conditions. ClinVar contains an entry for this variant (Variation ID: 1395782). An algorithm developed to predict the effect of missense changes on protein structure and function (PolyPhen-2) suggests that this variant is likely to be tolerated. In summary, the available evidence is currently insufficient to determine the role of this variant in disease. Therefore, it has been classified as a Variant of Uncertain Significance.